The following is an entry in ClinVar:

NM_004211.5(SLC6A5):c.1133T>C (p.Phe378Ser)

Gene: SLC6A5 (solute carrier family 6 member 5; plus strand). Cytogenetic location: 11p15.1.
Variant type: single nucleotide variant.
Coding change: c.1133T>C on transcript NM_004211.5 (MANE Select); coding-DNA position 1133, T replaced by C.
Protein change: p.Phe378Ser; replaces phenylalanine 378 with serine.
Molecular consequence: missense variant.
Genome position (GRCh38, 1-based): chr11:20,617,757, T>C. VCF-style: chr11-20617757-T-C. GRCh37 (hg19) VCF-style: chr11-20639303-T-C.
Other names: c.431T>C, p.Phe144Ser (NM_001318369.2); short protein forms F378S, F144S.
Identifiers: ClinVar variation 1041277 (VCV001041277.6), dbSNP rs1852809256, ClinGen allele CA379916250.

ClinVar aggregate classification (germline): Uncertain significance (1 of 4 stars; one submission).

Conditions:
Hyperekplexia 3 (HKPX3). Also called: HYPEREKPLEXIA 3, AUTOSOMAL RECESSIVE; HYPEREKPLEXIA 3, AUTOSOMAL DOMINANT. Identifiers: Orphanet 3197, MedGen C3553288, MONDO:0013827, OMIM 614618.

Submission:

Labcorp Genetics (formerly Invitae), Labcorp
Classification: Uncertain significance for Hyperekplexia 3. Last evaluated: 2022-07-05. Review status: criteria provided, single submitter. Criteria: Invitae Variant Classification Sherloc (09022015). Collection method: clinical testing. Allele origin: germline.
Comment: This variant is not present in population databases (gnomAD no frequency). In summary, the available evidence is currently insufficient to determine the role of this variant in disease. Therefore, it has been classified as a Variant of Uncertain Significance. Advanced modeling of protein sequence and biophysical properties (such as structural, functional, and spatial information, amino acid conservation, physicochemical variation, residue mobility, and thermodynamic stability) performed at Invitae indicates that this missense variant is not expected to disrupt SLC6A5 protein function. ClinVar contains an entry for this variant (Variation ID: 1041277). This variant has not been reported in the literature in individuals affected with SLC6A5-related conditions. This sequence change replaces phenylalanine, which is neutral and non-polar, with serine, which is neutral and polar, at codon 378 of the SLC6A5 protein (p.Phe378Ser).